The following is an entry in ClinVar:

NM_006231.4(POLE):c.3545A>C (p.Lys1182Thr)

Gene: POLE (DNA polymerase epsilon, catalytic subunit; minus strand). Cytogenetic location: 12q24.33.
Variant type: single nucleotide variant.
Coding change: c.3545A>C on transcript NM_006231.4 (MANE Select); coding-DNA position 3545, A replaced by C.
Protein change: p.Lys1182Thr; replaces lysine 1182 with threonine.
Molecular consequence: missense variant.
Genome position (GRCh38, 1-based): chr12:132,657,173, T>G on the plus strand (A>C on the coding strand, the complement: POLE is on the minus strand). VCF-style: chr12-132657173-T-G. GRCh37 (hg19) VCF-style: chr12-133233759-T-G.
Other names: c.3545A>C (NM_006231.2); short protein forms K1182T.
Identifiers: ClinVar variation 2185677 (VCV002185677.5), dbSNP rs1188948701, ClinGen allele CA387388437.

ClinVar aggregate classification (germline): Uncertain significance. Review status: criteria provided, multiple submitters, no conflicts (2 of 4 stars). 2 submissions from 2 submitters: Uncertain significance (2). Last evaluated 2025-04-09.

Conditions:
Hereditary cancer-predisposing syndrome. Also called: Hereditary Cancer Syndrome; Neoplastic Syndromes, Hereditary; Tumor predisposition; Hereditary neoplastic syndrome. Identifiers: Orphanet 140162, MedGen C0027672, MeSH D009386, MONDO:0015356.

Allele frequency attached by ClinVar (database versions not stated): gnomAD exomes below 0.00001.
gnomAD v4.1: 1 of 1,613,982 alleles (0.000062%); highest among the groups gnomAD compares: Non-Finnish European, 0.000085%; no homozygotes.

Submissions (2):

Ambry Genetics
Classification: Uncertain significance for Hereditary cancer-predisposing syndrome. Last evaluated: 2025-04-09. Review status: criteria provided, single submitter. Criteria: Ambry Variant Classification Scheme 2023. Collection method: clinical testing. Allele origin: germline.
Comment: The p.K1182T variant (also known as c.3545A>C), located in coding exon 29 of the POLE gene, results from an A to C substitution at nucleotide position 3545. The lysine at codon 1182 is replaced by threonine, an amino acid with similar properties. This amino acid position is conserved. In addition, this alteration is predicted to be tolerated by in silico analysis. Based on the available evidence, the clinical significance of this variant remains unclear.

Labcorp Genetics (formerly Invitae), Labcorp
Classification: Uncertain significance. Last evaluated: 2024-06-24. Review status: criteria provided, single submitter. Criteria: Invitae Variant Classification Sherloc (09022015). Collection method: clinical testing. Allele origin: germline.
Comment: This sequence change replaces lysine, which is basic and polar, with threonine, which is neutral and polar, at codon 1182 of the POLE protein (p.Lys1182Thr). This variant is not present in population databases (gnomAD no frequency). This variant has not been reported in the literature in individuals affected with POLE-related conditions. ClinVar contains an entry for this variant (Variation ID: 2185677). Advanced modeling of protein sequence and biophysical properties (such as structural, functional, and spatial information, amino acid conservation, physicochemical variation, residue mobility, and thermodynamic stability) performed at Invitae indicates that this missense variant is not expected to disrupt POLE protein function with a negative predictive value of 80%. In summary, the available evidence is currently insufficient to determine the role of this variant in disease. Therefore, it has been classified as a Variant of Uncertain Significance.